The following is an entry in ClinVar:

NM_004795.4(KL):c.1105C>G (p.Leu369Val)

Gene: KL (klotho; plus strand). Cytogenetic location: 13q13.1.
Variant type: single nucleotide variant.
Coding change: c.1105C>G on transcript NM_004795.4 (MANE Select); coding-DNA position 1105, C replaced by G.
Protein change: p.Leu369Val; replaces leucine 369 with valine.
Molecular consequence: missense variant.
Genome position (GRCh38, 1-based): chr13:33,054,052, C>G. VCF-style: chr13-33054052-C-G. GRCh37 (hg19) VCF-style: chr13-33628189-C-G.
Other names: short protein forms L369V.
Identifiers: ClinVar variation 881860 (VCV000881860.9), dbSNP rs142695155, ClinGen allele CA6944033.

ClinVar aggregate classification (germline): Uncertain significance. Review status: criteria provided, multiple submitters, no conflicts (2 of 4 stars). 3 submissions from 3 submitters: Uncertain significance (3). Last evaluated 2025-12-24.

Conditions:
Tumoral calcinosis, hyperphosphatemic, familial, 3. Identifiers: MedGen C4693864, MONDO:0060715, OMIM 617994.

Allele frequency attached by ClinVar (database versions not stated): gnomAD exomes 0.00008 and 0.00019; ExAC 0.00011; gnomAD 0.00011 and 0.00012; TOPMed 0.00013; ESP Exome Variant Server 0.00015.
gnomAD v4.1: 147 of 1,612,476 alleles (0.0091%); highest among the groups gnomAD compares: Non-Finnish European, 0.0014%; no homozygotes.

Submissions (3):

Labcorp Genetics (formerly Invitae), Labcorp
Classification: Uncertain significance. Last evaluated: 2025-12-24. Review status: criteria provided, single submitter. Criteria: Invitae Variant Classification Sherloc (09022015). Collection method: clinical testing. Allele origin: germline.
Comment: This sequence change replaces leucine, which is neutral and non-polar, with valine, which is neutral and non-polar, at codon 369 of the KL protein (p.Leu369Val). The frequency data for this variant in the population databases is considered unreliable, as metrics indicate poor data quality at this position in the gnomAD database. This variant has not been reported in the literature in individuals affected with KL-related conditions. ClinVar contains an entry for this variant (Variation ID: 881860). Invitae Evidence Modeling of protein sequence and biophysical properties (such as structural, functional, and spatial information, amino acid conservation, physicochemical variation, residue mobility, and thermodynamic stability) indicates that this missense variant is not expected to disrupt KL protein function with a negative predictive value of 80%. In summary, the available evidence is currently insufficient to determine the role of this variant in disease. Therefore, it has been classified as a Variant of Uncertain Significance.

Ambry Genetics
Classification: Uncertain significance. Last evaluated: 2022-04-07. Review status: criteria provided, single submitter. Criteria: Ambry Variant Classification Scheme 2023. Collection method: clinical testing. Allele origin: germline.

Illumina Laboratory Services, Illumina
Classification: Uncertain significance for Tumoral calcinosis, hyperphosphatemic, familial, 3. Last evaluated: 2017-04-27. Review status: criteria provided, single submitter. Criteria: ICSL Variant Classification Criteria 13 December 2019. Collection method: clinical testing. Allele origin: germline.